The following is an entry in ClinVar:

ClinVar aggregate classification (germline): Pathogenic/Likely pathogenic. Review status: criteria provided, multiple submitters, no conflicts (2 of 4 stars). 4 submissions from 4 submitters: Pathogenic (2); Likely pathogenic (1). 1 of the submissions does not count toward it. Last evaluated 2025-09-25.

Conditions:
Alkaptonuria (AKU). Also called: Homogentisic acidura; HOMOGENTISIC ACID OXIDASE DEFICIENCY; Alkaptonuric ochronosis; Alcaptonuria. Identifiers: Orphanet 56, MedGen C0002066, MONDO:0008753, OMIM 203500.

Allele frequency attached by ClinVar (database versions not stated): gnomAD exomes below 0.00001.
gnomAD v4.1: 2 of 1,590,064 alleles (0.00013%); highest among the groups gnomAD compares: South Asian, 0.0011%; no homozygotes.

Submissions (4):

Women's Health and Genetics/Laboratory Corporation of America, LabCorp
Classification: Likely pathogenic for Alkaptonuria. Last evaluated: 2025-09-25. Review status: criteria provided, single submitter. Criteria: LabCorp Variant Classification Summary - May 2015. Collection method: clinical testing. Allele origin: germline.
Comment: Variant summary: HGD c.189G>T (p.Arg63Ser) results in a non-conservative amino acid change in the encoded protein sequence. Algorithms developed to predict the effect of missense changes on protein structure and function all suggest that this variant is likely to be disruptive. The variant allele was found at a frequency of 4e-06 in 251164 control chromosomes. c.189G>T has been observed at a homozygous state in two siblings affected with Alkaptonuria (Noorian_2018). These data indicate that the variant is likely to be associated with disease. To our knowledge, no experimental evidence demonstrating an impact on protein function has been reported. The following publication have been ascertained in the context of this evaluation (Noorian_2018). ClinVar contains an entry for this variant (Variation ID: 437464). Based on the evidence outlined above, the variant was classified as likely pathogenic.

Centre of Medical Genetics, University Hospital Muenster
Classification: Pathogenic. Last evaluated: 2021-05-21. Review status: criteria provided, single submitter. Criteria: ACMG Guidelines, 2015. Collection method: clinical testing. Allele origin: unknown. Affected: yes. Observed: 1 variant allele, 1 homozygote.
Comment: ACMG categories: PM1,PM2,PP3,PP4,PP5

Genomic Research Center, Shahid Beheshti University of Medical Sciences
Classification: Pathogenic for Alkaptonuria. Last evaluated: 2017-06-18. Review status: criteria provided, single submitter. Criteria: ACMG Guidelines, 2015. Collection method: clinical testing. Allele origin: inherited. Affected: yes. Observed: 1 variant allele.

Department Of Human Genetics, Institute Of Clinical And Translational Research, Biomedical Research Center, Slovak Academy Of Sciences
Classification: Pathogenic for Alkaptonuria. Review status: no assertion criteria provided. Collection method: research. Allele origin: germline. Inheritance: Autosomal recessive inheritance. Affected: yes. Observed: 2 variant alleles. Not counted in ClinVar's aggregate classification.
Comment: The variant was originally described in AKU patient in DOI 10.1016/j.mgene.2018.09.006. It has been submitted to the HGD gene mutation database (DB-ID: AKU_00244).

Literature cited by the submitters: DOI org/10.1016/j.mgene.2018.09.006 (cited by Department Of Human Genetics, Institute Of Clinical And Translational Research, Biomedical Research Center, Slovak Academy Of Sciences).

NM_000187.4(HGD):c.189G>T (p.Arg63Ser)

Gene: HGD (homogentisate 1,2-dioxygenase; minus strand). Cytogenetic location: 3q13.33.
Variant type: single nucleotide variant.
Coding change: c.189G>T on transcript NM_000187.4 (MANE Select); coding-DNA position 189, G replaced by T.
Protein change: p.Arg63Ser; replaces arginine 63 with serine.
Molecular consequence: missense variant.
Genome position (GRCh38, 1-based): chr3:120,670,520, C>A on the plus strand (G>T on the coding strand, the complement: HGD is on the minus strand). VCF-style: chr3-120670520-C-A. GRCh37 (hg19) VCF-style: chr3-120389367-C-A.
Other names: short protein forms R63S.
Identifiers: ClinVar variation 437464 (VCV000437464.9), dbSNP rs1390061303, ClinGen allele CA354081558.
Genomic context (GRCh38, chr3:120,670,520, plus strand): 5'-GTGAGTGACTTGGCCTTCGTCAATGGATTCAAAGGGCTTGTGAGAAACTGAAGGTAGAAT[C>A]CTATACAGCCAGCTAGAGGGAAAAACATACAAGATATACAAGCCTTAGAGTAATGTTCTG-3'
Protein context (NP_000178.2, residues 53-73): RSTNKRSWLY[Arg63Ser]ILPSVSHKPF